The following is an entry in ClinVar:

NM_025137.4(SPG11):c.4625T>G (p.Leu1542Arg)

Gene: SPG11 (SPG11 vesicle trafficking associated, spatacsin; minus strand). Cytogenetic location: 15q21.1.
Variant type: single nucleotide variant.
Coding change: c.4625T>G on transcript NM_025137.4 (MANE Select); coding-DNA position 4625, T replaced by G.
Protein change: p.Leu1542Arg; replaces leucine 1542 with arginine.
Molecular consequence: missense variant.
Genome position (GRCh38, 1-based): chr15:44,595,269, A>C on the plus strand (T>G on the coding strand, the complement: SPG11 is on the minus strand). VCF-style: chr15-44595269-A-C. GRCh37 (hg19) VCF-style: chr15-44887467-A-C.
Other names: c.4625T>G, p.Leu1542Arg (NM_001160227.2); short protein forms L1542R.
Identifiers: ClinVar variation 959336 (VCV000959336.7), dbSNP rs2083005246, ClinGen allele CA392225944.
Genomic context (GRCh38, chr15:44,595,269, plus strand): 5'-GCTGAAGTAATCTCTTAAGCTCTGGAAAGAAGTGAAGCAACTATCACTACCTTAAAGAAA[A>C]GCTGGAAACCTCTGATGAGAGTTTTGCTCTTTTGTCTTGTTAATAATGTTCTCCAGATGA-3'
Protein context (NP_079413.3, residues 1532-1552): KSKTLIRGFQ[Leu1542Arg]FFKDSPLLLV

ClinVar aggregate classification (germline): Uncertain significance. Review status: criteria provided, multiple submitters, no conflicts (2 of 4 stars). 2 submissions from 2 submitters: Uncertain significance (2). Last evaluated 2025-08-05.

Conditions:
Inborn genetic diseases. Identifiers: MedGen C0950123, MeSH D030342.
Hereditary spastic paraplegia 11. Also called: Nakamura Osame syndrome; Autosomal recessive hereditary spastic paraplegia, mental impairment, and thin corpus callosum; Spastic paraplegia, mental retardation and thin corpus callosum; SPASTIC PARAPLEGIA, AUTOSOMAL RECESSIVE, COMPLICATED, WITH THIN CORPUS CALLOSUM; SPASTIC PARAPLEGIA, AUTOSOMAL RECESSIVE, WITH MENTAL IMPAIRMENT AND THIN CORPUS CALLOSUM; Spastic Paraplegia 11. Identifiers: Orphanet 2822, MedGen C1858479, MONDO:0011445, OMIM 604360.

Allele frequency attached by ClinVar (database versions not stated): gnomAD exomes below 0.00001.
gnomAD v4.1: 6 of 1,614,224 alleles (0.00037%); highest among the groups gnomAD compares: Non-Finnish European, 0.00051%; no homozygotes.

Submissions (2):

Ambry Genetics
Classification: Uncertain significance for Inborn genetic diseases. Last evaluated: 2025-08-05. Review status: criteria provided, single submitter. Criteria: Ambry Variant Classification Scheme 2023. Collection method: clinical testing. Allele origin: germline.

Labcorp Genetics (formerly Invitae), Labcorp
Classification: Uncertain significance for Hereditary spastic paraplegia 11. Last evaluated: 2022-07-09. Review status: criteria provided, single submitter. Criteria: Invitae Variant Classification Sherloc (09022015). Collection method: clinical testing. Allele origin: germline.
Comment: This sequence change replaces leucine, which is neutral and non-polar, with arginine, which is basic and polar, at codon 1542 of the SPG11 protein (p.Leu1542Arg). This variant is not present in population databases (gnomAD no frequency). This variant has not been reported in the literature in individuals affected with SPG11-related conditions. ClinVar contains an entry for this variant (Variation ID: 959336). Algorithms developed to predict the effect of missense changes on protein structure and function (SIFT, PolyPhen-2, Align-GVGD) all suggest that this variant is likely to be disruptive. In summary, the available evidence is currently insufficient to determine the role of this variant in disease. Therefore, it has been classified as a Variant of Uncertain Significance.